The following is an entry in ClinVar:

NM_006017.3(PROM1):c.1301G>A (p.Trp434Ter)

Gene: PROM1 (prominin 1; minus strand). Cytogenetic location: 4p15.32.
Variant type: single nucleotide variant.
Coding change: c.1301G>A on transcript NM_006017.3 (MANE Select); coding-DNA position 1301, G replaced by A.
Protein change: p.Trp434Ter; replaces tryptophan 434 with a stop codon.
Molecular consequence: nonsense.
Genome position (GRCh38, 1-based): chr4:16,008,949, C>T on the plus strand (G>A on the coding strand, the complement: PROM1 is on the minus strand). VCF-style: chr4-16008949-C-T. GRCh37 (hg19) VCF-style: chr4-16010572-C-T.
Other names: c.1274G>A, p.Trp425Ter (NM_001145847.2, NM_001145848.2, NM_001145851.2 and 4 more transcripts); c.1301G>A, p.Trp434Ter (NM_001145849.2, NM_001145850.2); short protein forms W425*, W434*.
Identifiers: ClinVar variation 1453282 (VCV001453282.7), dbSNP rs1461400697, ClinGen allele CA356436413.

ClinVar aggregate classification (germline): Pathogenic/Likely pathogenic. Review status: criteria provided, multiple submitters, no conflicts (2 of 4 stars). 2 submissions from 2 submitters: Pathogenic (1); Likely pathogenic (1). Last evaluated 2022-07-19.

Conditions:
PROM1-related disorder. Also called: PROM1-related disorders; PROM1-related condition.

Allele frequency attached by ClinVar (database versions not stated): TOPMed below 0.00001; gnomAD 0.00001.
gnomAD v4.1: 6 of 1,579,260 alleles (0.00038%); highest among the groups gnomAD compares: Non-Finnish European, 0.00052%; no homozygotes.

Submissions (2):

Labcorp Genetics (formerly Invitae), Labcorp
Classification: Pathogenic. Last evaluated: 2022-07-19. Review status: criteria provided, single submitter. Criteria: Invitae Variant Classification Sherloc (09022015). Collection method: clinical testing. Allele origin: germline.
Comment: This variant is present in population databases (no rsID available, gnomAD 0.0009%). This sequence change creates a premature translational stop signal (p.Trp434*) in the PROM1 gene. It is expected to result in an absent or disrupted protein product. Loss-of-function variants in PROM1 are known to be pathogenic (PMID: 17605048, 19718270, 24154662, 25474345). This variant has not been reported in the literature in individuals affected with PROM1-related conditions. For these reasons, this variant has been classified as Pathogenic. Algorithms developed to predict the effect of sequence changes on RNA splicing suggest that this variant may disrupt the consensus splice site. ClinVar contains an entry for this variant (Variation ID: 1453282).

Blueprint Genetics
Classification: Likely pathogenic for PROM1-related disorders. Last evaluated: 2021-06-30. Review status: criteria provided, single submitter. Criteria: ACMG Guidelines, 2015. Collection method: clinical testing. Allele origin: germline. Affected: yes. Observed: 2 variant alleles.

Literature cited by the submitters: PubMed 17605048 (cited by Labcorp Genetics (formerly Invitae), Labcorp); PubMed 19718270 (cited by Labcorp Genetics (formerly Invitae), Labcorp); PubMed 24154662 (cited by Labcorp Genetics (formerly Invitae), Labcorp); PubMed 25474345 (cited by Labcorp Genetics (formerly Invitae), Labcorp).